The following is an entry in ClinVar:

NM_016042.4(EXOSC3):c.*118G>T

Gene: EXOSC3 (exosome component 3; minus strand). Cytogenetic location: 9p13.2.
Variant type: single nucleotide variant.
Coding change: c.*118G>T on transcript NM_016042.4 (MANE Select); 118 bases downstream of the stop codon, G replaced by T.
Molecular consequence: 3 prime UTR variant.
Genome position (GRCh38, 1-based): chr9:37,780,561, C>A on the plus strand (G>T on the coding strand, the complement: EXOSC3 is on the minus strand). VCF-style: chr9-37780561-C-A. GRCh37 (hg19) VCF-style: chr9-37780558-C-A.
Other names: c.*299G>T (NM_001002269.2).
Identifiers: ClinVar variation 366877 (VCV000366877.9), dbSNP rs1059059, ClinGen allele CA10634051.

ClinVar aggregate classification (germline): Benign. Review status: criteria provided, multiple submitters, no conflicts (2 of 4 stars). 3 submissions from 3 submitters: Benign (3). Last evaluated 2018-06-19.

Conditions:
Pontocerebellar hypoplasia type 1B. Also called: EXOSC3 Pontocerebellar Hypoplasia. Identifiers: Orphanet 2254, MedGen C3553449, MONDO:0013853, OMIM 614678.

Allele frequency attached by ClinVar (database versions not stated): 1000 Genomes Project 0.19229; 1000 Genomes Project 30x 0.19582; TOPMed 0.22826.
gnomAD v4.1: 137,741 of 762,716 alleles (18%); highest among the groups gnomAD compares: African/African-American, 34%; 13,848 homozygotes.

Submissions (3):

GeneDx
Classification: Benign. Last evaluated: 2018-06-19. Review status: criteria provided, single submitter. Criteria: GeneDx Variant Classification Process June 2021. Collection method: clinical testing. Allele origin: germline. Affected: yes.

Illumina Laboratory Services, Illumina
Classification: Benign for Pontocerebellar hypoplasia type 1B. Last evaluated: 2017-04-27. Review status: criteria provided, single submitter. Criteria: ICSL Variant Classification Criteria 13 December 2019. Collection method: clinical testing. Allele origin: germline.
Comment: This variant was observed as part of a predisposition screen in an ostensibly healthy population. A literature search was performed for the gene, cDNA change, and amino acid change (where applicable). No publications were found based on this search. Allele frequency data from public databases was too high to be consistent with this variant causing disease. Therefore, this variant is classified as benign.

Breakthrough Genomics
Classification: Benign. Review status: criteria provided, single submitter. Criteria: ACMG Guidelines, 2015. Collection method: not provided. Allele origin: germline. Inheritance: Autosomal recessive inheritance. Affected: yes.